The following is an entry in ClinVar:

ClinVar aggregate classification (germline): Likely pathogenic (1 of 4 stars; one submission).

Conditions:
Glycogen storage disease type III (GSD3). Also called: FORBES DISEASE; Cori disease. Identifiers: Orphanet 366, MedGen C0017922, MONDO:0009291, OMIM 232400.

Submission:

Natera, Inc.
Classification: Likely pathogenic for Glycogen storage disease type III. Last evaluated: 2024-06-12. Review status: criteria provided, single submitter. Criteria: Natera Variant Classification Schema (03/2026). Collection method: clinical testing. Allele origin: germline.
Comment: The c.1842dup variant in AGL is a frameshift variant predicted to shift the reading frame beginning at codon 615 and leads to a stop codon 13 codons downstream. This variant is expected to result in nonsense mediated decay, truncation, or a dysfunctional protein product. This variant is rare in the general population with a frequency below the threshold expected for the associated phenotype(s). Given the available evidence, this variant is classified as Likely Pathogenic.

NM_000642.3(AGL):c.1842dup (p.Ala615fs)

Gene: AGL (amylo-alpha-1,6-glucosidase and 4-alpha-glucanotransferase; plus strand). Cytogenetic location: 1p21.2.
Variant type: Duplication.
Coding change: c.1842dup on transcript NM_000642.3 (MANE Select); coding-DNA position 1842, one base duplicated (A; older notation c.1842dupA).
Protein change: p.Ala615fs; shifts the reading frame from alanine 615.
Molecular consequence: frameshift variant.
Genome position (GRCh38, 1-based): chr1:99,880,738, A duplicated. VCF-style (leftmost placement, unchanged base first): chr1-99880737-C-CA. GRCh37 (hg19) VCF-style: chr1-100346293-C-CA.
Other names: c.1842dup, p.Ala615fs (NM_000028.3, NM_000643.3, NM_000644.3 and 2 more transcripts); c.1794dup, p.Ala599fs (NM_000646.3); c.1641dup, p.Ala548fs (NM_001425327.1); c.1638dup, p.Ala547fs (NM_001425328.1, NM_001425329.1); c.1464dup, p.Ala489fs (NM_001425332.1); short protein forms A489fs, A547fs, A548fs, A599fs, A615fs.
Identifiers: ClinVar variation 4814434 (VCV004814434.1).